The following is an entry in ClinVar:

NM_004260.4(RECQL4):c.1424A>C (p.Gln475Pro)

Gene: RECQL4 (RecQ like helicase 4; minus strand). Cytogenetic location: 8q24.3.
Variant type: single nucleotide variant.
Coding change: c.1424A>C on transcript NM_004260.4 (MANE Select); coding-DNA position 1424, A replaced by C.
Protein change: p.Gln475Pro; replaces glutamine 475 with proline.
Molecular consequence: missense variant. On other transcripts: 5 prime UTR variant (1), non-coding transcript variant (3).
Genome position (GRCh38, 1-based): chr8:144,515,209, T>G on the plus strand (A>C on the coding strand, the complement: RECQL4 is on the minus strand). VCF-style: chr8-144515209-T-G. GRCh37 (hg19) VCF-style: chr8-145740593-T-G.
Other names: c.1328A>C, p.Gln443Pro (NM_001413017.1, NM_001413020.1); c.1424A>C, p.Gln475Pro (NM_001413018.1, NM_001413019.1, NM_001413033.1 and 2 more transcripts); c.353A>C, p.Gln118Pro (NM_001413021.1, NM_001413022.1, NM_001413023.1 and 8 more transcripts); c.1295A>C, p.Gln432Pro (NM_001413025.1); c.287A>C, p.Gln96Pro (NM_001413027.1, NM_001413030.1, NM_001413031.1 and 2 more transcripts); c.1073A>C, p.Gln358Pro (NM_001413029.1); c.-44A>C (NM_001413043.1); short protein forms Q432P, Q96P, Q118P, Q358P, Q443P, Q475P.
Identifiers: ClinVar variation 3788044 (VCV003788044.1).

ClinVar aggregate classification (germline): Uncertain significance (1 of 4 stars; one submission).

Conditions:
Inborn genetic diseases. Identifiers: MedGen C0950123, MeSH D030342.

Submission:

Ambry Genetics
Classification: Uncertain significance for Inborn genetic diseases. Last evaluated: 2025-02-14. Review status: criteria provided, single submitter. Criteria: Ambry Variant Classification Scheme 2023. Collection method: clinical testing. Allele origin: germline.
Comment: The p.Q475P variant (also known as c.1424A>C), located in coding exon 8 of the RECQL4 gene, results from an A to C substitution at nucleotide position 1424. The glutamine at codon 475 is replaced by proline, an amino acid with similar properties. This amino acid position is conserved. In addition, the in silico prediction for this alteration is inconclusive. Based on the available evidence, the clinical significance of this variant remains unclear.